The following is an entry in ClinVar:

ClinVar aggregate classification (germline): Benign/Likely benign. Review status: criteria provided, multiple submitters, no conflicts (2 of 4 stars). 5 submissions from 5 submitters: Benign (1); Likely benign (4). Last evaluated 2026-04-01.

Conditions:
Hereditary cancer-predisposing syndrome. Also called: Neoplastic Syndromes, Hereditary; Hereditary neoplastic syndrome; Tumor predisposition; Hereditary Cancer Syndrome. Identifiers: Orphanet 140162, MedGen C0027672, MeSH D009386, MONDO:0015356.
Oligodontia-cancer predisposition syndrome. Also called: TOOTH AGENESIS-COLORECTAL CANCER SYNDROME. Identifiers: Orphanet 300576, MedGen C1837750, MONDO:0012075, OMIM 608615. Disease mechanism: loss of function.

Allele frequency attached by ClinVar (database versions not stated): ExAC 0.00003.
gnomAD v4.1: 2 of 1,586,544 alleles (0.00013%); highest among the groups gnomAD compares: Non-Finnish European, 0.00017%; no homozygotes.

Submissions (5):

CeGaT Center for Human Genetics Tuebingen
Classification: Likely benign. Last evaluated: 2026-04-01. Review status: criteria provided, single submitter. Criteria: CeGaT Center For Human Genetics Tuebingen Variant Classification Criteria Version 2. Collection method: clinical testing. Allele origin: germline. Affected: yes. Observed: 1 variant allele.
Comment: AXIN2: BP4, BP7

Labcorp Genetics (formerly Invitae), Labcorp
Classification: Likely benign for Oligodontia-cancer predisposition syndrome. Last evaluated: 2025-11-02. Review status: criteria provided, single submitter. Criteria: Invitae Variant Classification Sherloc (09022015). Collection method: clinical testing. Allele origin: germline.

Myriad Genetics, Inc.
Classification: Benign for Oligodontia-cancer predisposition syndrome. Last evaluated: 2024-07-02. Review status: criteria provided, single submitter. Criteria: Myriad Autosomal Dominant, Autosomal Recessive and X-Linked Classification Criteria (2023). Collection method: clinical testing. Allele origin: unknown.
Comment: This variant is considered benign. This variant is a silent/synonymous amino acid change and it is not expected to impact splicing.

Ambry Genetics
Classification: Likely benign for Hereditary cancer-predisposing syndrome. Last evaluated: 2020-12-08. Review status: criteria provided, single submitter. Criteria: Ambry Variant Classification Scheme 2023. Collection method: clinical testing. Allele origin: germline.

GeneDx
Classification: Likely benign. Last evaluated: 2016-11-03. Review status: criteria provided, single submitter. Criteria: GeneDx Variant Classification (06012015). Collection method: clinical testing. Allele origin: germline. Affected: yes.
Comment: This variant is considered likely benign or benign based on one or more of the following criteria: it is a conservative change, it occurs at a poorly conserved position in the protein, it is predicted to be benign by multiple in silico algorithms, and/or has population frequency not consistent with disease.

NM_004655.4(AXIN2):c.1266C>A (p.Pro422=)

Gene: AXIN2 (axin 2; minus strand). Cytogenetic location: 17q24.1.
Variant type: single nucleotide variant.
Coding change: c.1266C>A on transcript NM_004655.4 (MANE Select); coding-DNA position 1266, C replaced by A.
Protein change: p.Pro422=; no amino-acid change (proline 422 retained).
Molecular consequence: synonymous variant.
Genome position (GRCh38, 1-based): chr17:65,537,770, G>T on the plus strand (C>A on the coding strand, the complement: AXIN2 is on the minus strand). VCF-style: chr17-65537770-G-T. GRCh37 (hg19) VCF-style: chr17-63533888-G-T.
Other names: c.1266C>A (LRG_296t1); c.1266C>A, p.Pro422= (NM_001363813.1).
Identifiers: ClinVar variation 390711 (VCV000390711.17), dbSNP rs773785363, ClinGen allele CA8718695.